The following is an entry in ClinVar:

ClinVar aggregate classification (germline): Uncertain significance (1 of 4 stars; one submission).

Conditions:
Intellectual disability, autosomal recessive 42 (NEDDSBA). Also called: Neurodevelopmental disorder with dysmorphic features, spasticity, and brain abnormalities; GLYCOSYLPHOSPHATIDYLINOSITOL BIOSYNTHESIS DEFECT 9. Identifiers: Orphanet 88616, MedGen C4014343, MONDO:0014348, OMIM 615802.

Submission:

Laboratorio de Genetica e Diagnostico Molecular, Hospital Israelita Albert Einstein
Classification: Uncertain significance for Intellectual disability, autosomal recessive 42. Last evaluated: 2024-10-18. Review status: criteria provided, single submitter. Criteria: ACMG Guidelines, 2015. Collection method: clinical testing. Allele origin: germline. Affected: yes.
Comment: ACMG classification criteria: PM2 supporting, BP4 supporting

NM_024989.4(PGAP1):c.570G>C (p.Lys190Asn)

Gene: PGAP1 (post-GPI attachment to proteins inositol deacylase 1; minus strand). Cytogenetic location: 2q33.1.
Variant type: single nucleotide variant.
Coding change: c.570G>C on transcript NM_024989.4 (MANE Select); coding-DNA position 570, G replaced by C.
Protein change: p.Lys190Asn; replaces lysine 190 with asparagine.
Molecular consequence: missense variant. On other transcripts: 5 prime UTR variant (1).
Genome position (GRCh38, 1-based): chr2:196,912,961, C>G on the plus strand (G>C on the coding strand, the complement: PGAP1 is on the minus strand). VCF-style: chr2-196912961-C-G. GRCh37 (hg19) VCF-style: chr2-197777685-C-G.
Other names: c.48G>C, p.Lys16Asn (NM_001321099.2); c.-542G>C (NM_001321100.2); short protein forms K16N, K190N.
Identifiers: ClinVar variation 4056709 (VCV004056709.1).